The following is an entry in ClinVar:

NM_019066.5(MAGEL2):c.530C>A (p.Thr177Asn)

Gene: MAGEL2 (MAGE family member L2; minus strand). Cytogenetic location: 15q11.2.
Variant type: single nucleotide variant.
Coding change: c.530C>A on transcript NM_019066.5 (MANE Select); coding-DNA position 530, C replaced by A.
Protein change: p.Thr177Asn; replaces threonine 177 with asparagine.
Molecular consequence: missense variant.
Genome position (GRCh38, 1-based): chr15:23,647,213, G>T on the plus strand (C>A on the coding strand, the complement: MAGEL2 is on the minus strand). VCF-style: chr15-23647213-G-T. GRCh37 (hg19) VCF-style: chr15-23892360-G-T.
Other names: short protein forms T177N.
Identifiers: ClinVar variation 2343385 (VCV002343385.6), dbSNP rs1039431104, ClinGen allele CA267661444.

ClinVar aggregate classification (germline): Uncertain significance. Review status: criteria provided, multiple submitters, no conflicts (2 of 4 stars). 3 submissions from 3 submitters: Uncertain significance (3). Last evaluated 2025-12-01.

Conditions:
Inborn genetic diseases. Identifiers: MedGen C0950123, MeSH D030342.
MAGEL2-related disorder. Also called: MAGEL2-related condition.

Allele frequency attached by ClinVar (database versions not stated): TOPMed below 0.00001; gnomAD 0.00001.
gnomAD v4.1: 17 of 1,520,236 alleles (0.0011%); highest among the groups gnomAD compares: African/African-American, 0.0028%; no homozygotes.

Submissions (3):

PreventionGenetics, part of Exact Sciences
Classification: Uncertain significance for MAGEL2-related condition. Last evaluated: 2025-12-01. Review status: criteria provided, single submitter. Criteria: ACMG Guidelines, 2015. Collection method: clinical testing. Allele origin: germline.
Comment: The MAGEL2 c.530C>A variant is predicted to result in the amino acid substitution p.Thr177Asn. To our knowledge, this variant has not been reported in the literature. This variant is reported in 0.0019% of alleles in individuals of European (Non-Finnish) descent in gnomAD. At this time, the clinical significance of this variant is uncertain due to the absence of conclusive functional and genetic evidence.

Labcorp Genetics (formerly Invitae), Labcorp
Classification: Uncertain significance. Last evaluated: 2023-07-28. Review status: criteria provided, single submitter. Criteria: Invitae Variant Classification Sherloc (09022015). Collection method: clinical testing. Allele origin: germline.
Comment: This variant is present in population databases (no rsID available, gnomAD no frequency). This sequence change replaces threonine, which is neutral and polar, with asparagine, which is neutral and polar, at codon 177 of the MAGEL2 protein (p.Thr177Asn). In summary, the available evidence is currently insufficient to determine the role of this variant in disease. Therefore, it has been classified as a Variant of Uncertain Significance. Experimental studies and prediction algorithms are not available or were not evaluated, and the functional significance of this variant is currently unknown. ClinVar contains an entry for this variant (Variation ID: 2343385). This variant has not been reported in the literature in individuals affected with MAGEL2-related conditions.

Ambry Genetics
Classification: Uncertain significance for Inborn genetic diseases. Last evaluated: 2020-11-17. Review status: criteria provided, single submitter. Criteria: Ambry Variant Classification Scheme 2023. Collection method: clinical testing. Allele origin: germline.
Comment: The c.530C>A (p.T177N) alteration is located in exon 1 (coding exon 1) of the MAGEL2 gene. This alteration results from a C to A substitution at nucleotide position 530, causing the threonine (T) at amino acid position 177 to be replaced by an asparagine (N). The p.T177N alteration is predicted to be tolerated by in silico analysis. Based on insufficient or conflicting evidence, the clinical significance of this alteration remains unclear.